The following is an entry in ClinVar:

ClinVar aggregate classification (germline): Uncertain significance (1 of 4 stars; one submission).

Conditions:
Hereditary cancer-predisposing syndrome. Also called: Hereditary Cancer Syndrome; Hereditary neoplastic syndrome; Tumor predisposition; Neoplastic Syndromes, Hereditary. Identifiers: Orphanet 140162, MedGen C0027672, MeSH D009386, MONDO:0015356.

Submission:

Ambry Genetics
Classification: Uncertain significance for Hereditary cancer-predisposing syndrome. Last evaluated: 2024-12-12. Review status: criteria provided, single submitter. Criteria: Ambry Variant Classification Scheme 2023. Collection method: clinical testing. Allele origin: germline.
Comment: The p.E780V variant (also known as c.2339A>T), located in coding exon 13 of the ALK gene, results from an A to T substitution at nucleotide position 2339. The glutamic acid at codon 780 is replaced by valine, an amino acid with dissimilar properties. This amino acid position is conserved. In addition, this alteration is predicted to be tolerated by in silico analysis. Since supporting evidence is limited at this time, the clinical significance of this alteration remains unclear.

NM_004304.5(ALK):c.2339A>T (p.Glu780Val)

Gene: ALK (ALK receptor tyrosine kinase; minus strand). Cytogenetic location: 2p23.2.
Variant type: single nucleotide variant.
Coding change: c.2339A>T on transcript NM_004304.5 (MANE Select); coding-DNA position 2339, A replaced by T.
Protein change: p.Glu780Val; replaces glutamic acid 780 with valine.
Molecular consequence: missense variant.
Genome position (GRCh38, 1-based): chr2:29,239,696, T>A on the plus strand (A>T on the coding strand, the complement: ALK is on the minus strand). VCF-style: chr2-29239696-T-A. GRCh37 (hg19) VCF-style: chr2-29462562-T-A.
Other names: short protein forms E780V.
Identifiers: ClinVar variation 1789809 (VCV001789809.3), dbSNP rs1664472213, ClinGen allele CA346474231.